The following is an entry in ClinVar:

ClinVar aggregate classification (germline): Uncertain significance (1 of 4 stars; one submission).

Submission:

Laboratorio de Genetica e Diagnostico Molecular, Hospital Israelita Albert Einstein
Classification: Uncertain significance. Last evaluated: 2019-11-01. Review status: criteria provided, single submitter. Criteria: ACMG Guidelines, 2015. Collection method: clinical testing. Allele origin: germline. Affected: yes.
Comment: ACMG classification criteria: PM2

NM_017780.4(CHD7):c.5125G>A (p.Asp1709Asn)

Gene: CHD7 (chromodomain helicase DNA binding protein 7; plus strand). Cytogenetic location: 8q12.2.
Variant type: single nucleotide variant.
Coding change: c.5125G>A on transcript NM_017780.4 (MANE Select); coding-DNA position 5125, G replaced by A.
Protein change: p.Asp1709Asn; replaces aspartic acid 1709 with asparagine.
Molecular consequence: missense variant. On other transcripts: intron variant (1).
Genome position (GRCh38, 1-based): chr8:60,845,324, G>A. VCF-style: chr8-60845324-G-A. GRCh37 (hg19) VCF-style: chr8-61757883-G-A.
Other names: c.1717-16905G>A (NM_001316690.1); short protein forms D1709N.
Identifiers: ClinVar variation 1690727 (VCV001690727.2), dbSNP rs2150794060, ClinGen allele CA371320469.